The following is an entry in ClinVar:

NM_003872.3(NRP2):c.2045-17_2045-8del

Gene: NRP2 (neuropilin 2; plus strand). Cytogenetic location: 2q33.3.
Variant type: Deletion.
Coding change: c.2045-17_2045-8del on transcript NM_003872.3 (MANE Select); 17 bases into the intron before coding-DNA position 2045 through 8 bases into the intron before coding-DNA position 2045, 10 bases deleted (GGGTTTGTTT; older notation c.2045-17_2045-8delGGGTTTGTTT).
Molecular consequence: intron variant.
Genome position (GRCh38, 1-based): chr2:205,763,657-205,763,666, GGGTTTGTTT deleted; deleting any 10 consecutive bases within chr2:205,763,652-205,763,666 gives the same sequence; the c. name uses the placement nearest the transcript's 3' end. VCF-style (leftmost placement, unchanged base first): chr2-205763651-CTGTTTGGGTT-C. GRCh37 (hg19) VCF-style: chr2-206628375-CTGTTTGGGTT-C.
Other names: c.2045-17_2045-8del (NM_201266.2, NM_201279.2, NM_018534.4 and 1 more transcripts).
Identifiers: ClinVar variation 3353559 (VCV003353559.1).
Genomic context (GRCh38, chr2:205,763,651, plus strand): 5'-TTCCCTTGGAGAGGCCACAGCAGCACACTGGTGTCTTTCCCGAGTGTTTATGGAGAACCT[CTGTTTGGGTT>C]TGTTTCTGCCAGATGACAGGAATTTCTTGCGGCTGCAGAGTGACAGCCAGAGAGAGGGCC-3'

ClinVar aggregate classification (germline): Likely benign (0 of 4 stars; one submission).

Conditions:
NRP2-related disorder. Also called: NRP2-related condition.

Submission:

PreventionGenetics, part of Exact Sciences
Classification: Likely benign for NRP2-related condition. Last evaluated: 2022-03-25. Review status: no assertion criteria provided. Collection method: clinical testing. Allele origin: germline.
Comment: This variant is classified as likely benign based on ACMG/AMP sequence variant interpretation guidelines (Richards et al. 2015 PMID: 25741868, with internal and published modifications).